The following is an entry in ClinVar:

NM_005430.4(WNT1):c.521T>C (p.Ile174Thr)

Gene: WNT1 (Wnt family member 1; plus strand). Cytogenetic location: 12q13.12.
Variant type: single nucleotide variant.
Coding change: c.521T>C on transcript NM_005430.4 (MANE Select); coding-DNA position 521, T replaced by C.
Protein change: p.Ile174Thr; replaces isoleucine 174 with threonine.
Molecular consequence: missense variant.
Genome position (GRCh38, 1-based): chr12:48,980,586, T>C. VCF-style: chr12-48980586-T-C. GRCh37 (hg19) VCF-style: chr12-49374369-T-C.
Other names: short protein forms I174T.
Identifiers: ClinVar variation 388128 (VCV000388128.4), dbSNP rs758928266, ClinGen allele CA6544412.

ClinVar aggregate classification (germline): Uncertain significance. Review status: criteria provided, multiple submitters, no conflicts (2 of 4 stars). 3 submissions from 3 submitters: Uncertain significance (3). Last evaluated 2025-04-28.

Conditions:
Osteogenesis imperfecta type 15. Also called: WNT1-related osteogenesis imperfecta; Osteogenesis imperfecta, type xv; OI, TYPE XV. Identifiers: Orphanet 666, MedGen C3808844, MONDO:0014086, OMIM 615220.

Allele frequency attached by ClinVar (database versions not stated): gnomAD exomes below 0.00001; TOPMed below 0.00001; ExAC 0.00001.
gnomAD v4.1: 5 of 1,606,206 alleles (0.00031%); highest among the groups gnomAD compares: East Asian, 0.0022%; no homozygotes.

Submissions (3):

Labcorp Genetics (formerly Invitae), Labcorp
Classification: Uncertain significance. Last evaluated: 2025-04-28. Review status: criteria provided, single submitter. Criteria: Invitae Variant Classification Sherloc (09022015). Collection method: clinical testing. Allele origin: germline.
Comment: This sequence change replaces isoleucine, which is neutral and non-polar, with threonine, which is neutral and polar, at codon 174 of the WNT1 protein (p.Ile174Thr). This variant is present in population databases (rs758928266, gnomAD 0.006%). This variant has not been reported in the literature in individuals affected with WNT1-related conditions. ClinVar contains an entry for this variant (Variation ID: 388128). Invitae Evidence Modeling of protein sequence and biophysical properties (such as structural, functional, and spatial information, amino acid conservation, physicochemical variation, residue mobility, and thermodynamic stability) indicates that this missense variant is not expected to disrupt WNT1 protein function with a negative predictive value of 80%. In summary, the available evidence is currently insufficient to determine the role of this variant in disease. Therefore, it has been classified as a Variant of Uncertain Significance.

3billion
Classification: Uncertain significance for Osteogenesis imperfecta type 15. Last evaluated: 2024-02-20. Review status: criteria provided, single submitter. Criteria: ACMG Guidelines, 2015. Collection method: clinical testing. Allele origin: germline. Affected: yes.
Comment: The variant is observed at an extremely low frequency in the gnomAD v2.1.1 dataset (total allele frequency: <0.001%). Predicted Consequence/Location: Missense variant In silico tool predictions suggest damaging effect of the variant on gene or gene product [REVEL: 0.72 (>=0.6, sensitivity 0.68 and specificity 0.92)]. Therefore, this variant is classified as VUS according to the recommendation of ACMG/AMP guideline.

GeneDx
Classification: Uncertain significance. Last evaluated: 2017-11-22. Review status: criteria provided, single submitter. Criteria: GeneDx Variant Classification (06012015). Collection method: clinical testing. Allele origin: germline. Affected: yes.
Comment: The I174T variant in the WNT1 gene has not been reported previously as a pathogenic variant, nor as a benign variant, to our knowledge. The I174T variant was not observed in approximately 6500 individuals of European and African American ancestry in the NHLBI Exome Sequencing Project, indicating it is not a common benign variant in these populations. The I174T variant is a non-conservative amino acid substitution, which is likely to impact secondary protein structure as these residues differ in polarity, charge, size and/or other properties. This substitution occurs at a position where amino acids with similar properties to Isoleucine are tolerated across species. In silico analysis is inconsistent in its predictions as to whether or not the variant is damaging to the protein structure/function. We interpret I174T as a variant of uncertain significance.